The following is an entry in ClinVar:

ClinVar aggregate classification (germline): Likely benign (1 of 4 stars; one submission).

gnomAD v4.1: 13 of 1,614,002 alleles (0.00081%); highest among the groups gnomAD compares: Middle Eastern, 0.016%; no homozygotes.

Submission:

CeGaT Center for Human Genetics Tuebingen
Classification: Likely benign. Last evaluated: 2025-10-01. Review status: criteria provided, single submitter. Criteria: CeGaT Center For Human Genetics Tuebingen Variant Classification Criteria Version 2. Collection method: clinical testing. Allele origin: germline. Affected: yes. Observed: 1 variant allele.
Comment: SPEN: BP4, BP7

NM_015001.3(SPEN):c.2262G>A (p.Arg754=)

Gene: SPEN (spen family transcriptional repressor; plus strand). Cytogenetic location: 1p36.13.
Variant type: single nucleotide variant.
Coding change: c.2262G>A on transcript NM_015001.3 (MANE Select); coding-DNA position 2262, G replaced by A.
Protein change: p.Arg754=; no amino-acid change (arginine 754 retained).
Molecular consequence: synonymous variant.
Genome position (GRCh38, 1-based): chr1:15,928,502, G>A. VCF-style: chr1-15928502-G-A. GRCh37 (hg19) VCF-style: chr1-16254997-G-A.
Identifiers: ClinVar variation 4533787 (VCV004533787.6).